The following is an entry in ClinVar:

ClinVar aggregate classification (germline): Uncertain significance (1 of 4 stars; one submission).

Submission:

GeneDx
Classification: Uncertain significance. Last evaluated: 2022-12-07. Review status: criteria provided, single submitter. Criteria: GeneDx Variant Classification Process June 2021. Collection method: clinical testing. Allele origin: germline. Affected: yes.
Comment: Not observed at significant frequency in large population cohorts (gnomAD); In-frame deletion of 1 amino acid in a non-repeat region; In silico analysis supports a deleterious effect on protein structure/function; Has not been previously published as pathogenic or benign to our knowledge

NM_013275.6(ANKRD11):c.739_741del (p.Tyr247del)

Gene: ANKRD11 (ankyrin repeat domain containing 11; minus strand). Cytogenetic location: 16q24.3.
Variant type: Deletion.
Coding change: c.739_741del on transcript NM_013275.6 (MANE Select); coding-DNA positions 739 to 741, 3 bases deleted (TAC; older notation c.739_741delTAC).
Protein change: p.Tyr247del; deletes tyrosine 247.
Molecular consequence: inframe deletion. On other transcripts: non-coding transcript variant (1).
Genome position (GRCh38, 1-based): chr16:89,288,531-89,288,533, GTA deleted on the plus strand (TAC on the coding strand, the reverse complement: ANKRD11 is on the minus strand); deleting any 3 consecutive bases within chr16:89,288,531-89,288,535 gives the same sequence; the c. name uses the placement nearest the transcript's 3' end. VCF-style (leftmost placement, unchanged base first): chr16-89288530-TGTA-T. GRCh37 (hg19) VCF-style: chr16-89354938-TGTA-T.
Other names: c.739_741del, p.Tyr247del (NM_001256182.2, NM_001256183.2); short protein forms Y247del.
Identifiers: ClinVar variation 2505007 (VCV002505007.1), dbSNP rs2544278669, ClinGen allele CA2580613930.
Genomic context (GRCh38, chr16:89,288,530, plus strand): 5'-ACAGAACCACCCAGATGCCAGGACAGGCCGGATGTGTGAAGAACGGGGGGATGCCAACCT[TGTA>T]GTGCCCGTTGTTGGCAGCGTCGTGCAAAGGCGTGTCGTCATCTAGGCCCTTGGTGTTCAC-3'